The following is an entry in ClinVar:

ClinVar aggregate classification (germline): Uncertain significance. Review status: criteria provided, multiple submitters, no conflicts (2 of 4 stars). 4 submissions from 4 submitters: Uncertain significance (4). Last evaluated 2025-08-07.

Conditions:
Hereditary cancer-predisposing syndrome. Also called: Hereditary Cancer Syndrome; Neoplastic Syndromes, Hereditary; Hereditary neoplastic syndrome; Tumor predisposition. Identifiers: Orphanet 140162, MedGen C0027672, MeSH D009386, MONDO:0015356.
POLD1-related polyposis and colorectal cancer syndrome (CRCS10). Also called: COLORECTAL CANCER, SUSCEPTIBILITY TO, ON CHROMOSOME 19q; Colorectal cancer 10; Colorectal cancer, susceptibility to, 10. Identifiers: Orphanet 220460, MedGen C2675481, MONDO:0012953, OMIM 612591.

Allele frequency attached by ClinVar (database versions not stated): gnomAD exomes below 0.00001; ExAC 0.00001; TOPMed 0.00001.
gnomAD v4.1: 14 of 1,612,192 alleles (0.00087%); highest among the groups gnomAD compares: East Asian, 0.0022%; no homozygotes.

Submissions (4):

Labcorp Genetics (formerly Invitae), Labcorp
Classification: Uncertain significance for POLD1-related polyposis and colorectal cancer syndrome. Last evaluated: 2025-08-07. Review status: criteria provided, single submitter. Criteria: Invitae Variant Classification Sherloc (09022015). Collection method: clinical testing. Allele origin: germline.
Comment: This sequence change replaces arginine, which is basic and polar, with glutamine, which is neutral and polar, at codon 409 of the POLD1 protein (p.Arg409Gln). This variant is present in population databases (rs749611798, gnomAD 0.006%). This variant has not been reported in the literature in individuals affected with POLD1-related conditions. ClinVar contains an entry for this variant (Variation ID: 239227). Invitae Evidence Modeling of protein sequence and biophysical properties (such as structural, functional, and spatial information, amino acid conservation, physicochemical variation, residue mobility, and thermodynamic stability) indicates that this missense variant is expected to disrupt POLD1 protein function with a positive predictive value of 80%. In summary, the available evidence is currently insufficient to determine the role of this variant in disease. Therefore, it has been classified as a Variant of Uncertain Significance.

Ambry Genetics
Classification: Uncertain significance for Hereditary cancer-predisposing syndrome. Last evaluated: 2024-12-12. Review status: criteria provided, single submitter. Criteria: Ambry Variant Classification Scheme 2023. Collection method: clinical testing. Allele origin: germline.
Comment: The p.R409Q variant (also known as c.1226G>A), located in coding exon 9 of the POLD1 gene, results from a G to A substitution at nucleotide position 1226. The arginine at codon 409 is replaced by glutamine, an amino acid with highly similar properties. This amino acid position is highly conserved in available vertebrate species. In addition, this alteration is predicted to be deleterious by in silico analysis. Based on the available evidence, the clinical significance of this variant remains unclear.

GeneDx
Classification: Uncertain significance. Last evaluated: 2024-02-21. Review status: criteria provided, single submitter. Criteria: GeneDx Variant Classification Process June 2021. Collection method: clinical testing. Allele origin: germline. Affected: yes.
Comment: Not observed at significant frequency in large population cohorts (gnomAD); In silico analysis supports that this missense variant has a deleterious effect on protein structure/function; Has not been previously published as pathogenic or benign to our knowledge; This variant is associated with the following publications: (PMID: 20951805)

Baylor Genetics
Classification: Uncertain significance for POLD1-related polyposis and colorectal cancer syndrome. Last evaluated: 2023-06-29. Review status: criteria provided, single submitter. Criteria: ACMG Guidelines, 2015. Collection method: clinical testing. Allele origin: unknown.

NM_002691.4(POLD1):c.1226G>A (p.Arg409Gln)

Gene: POLD1 (DNA polymerase delta 1, catalytic subunit; plus strand). Cytogenetic location: 19q13.33.
Variant type: single nucleotide variant.
Coding change: c.1226G>A on transcript NM_002691.4 (MANE Select); coding-DNA position 1226, G replaced by A.
Protein change: p.Arg409Gln; replaces arginine 409 with glutamine.
Molecular consequence: missense variant. On other transcripts: non-coding transcript variant (1).
Genome position (GRCh38, 1-based): chr19:50,403,581, G>A. VCF-style: chr19-50403581-G-A. GRCh37 (hg19) VCF-style: chr19-50906838-G-A.
Other names: c.1226G>A, p.Arg409Gln (NM_001256849.1, NM_001308632.1); short protein forms R409Q.
Identifiers: ClinVar variation 239227 (VCV000239227.18), dbSNP rs749611798, ClinGen allele CA9596065.